The following is an entry in ClinVar:

NM_172369.5(C1QC):c.376C>T (p.Arg126Trp)

Gene: C1QC (complement C1q C chain; plus strand). Cytogenetic location: 1p36.12.
Variant type: single nucleotide variant.
Coding change: c.376C>T on transcript NM_172369.5 (MANE Select); coding-DNA position 376, C replaced by T.
Protein change: p.Arg126Trp; replaces arginine 126 with tryptophan.
Molecular consequence: missense variant.
Genome position (GRCh38, 1-based): chr1:22,647,421, C>T. VCF-style: chr1-22647421-C-T. GRCh37 (hg19) VCF-style: chr1-22973914-C-T.
Other names: c.376C>T, p.Arg126Trp (NM_001114101.3, NM_001347619.2); c.109C>T, p.Arg37Trp (NM_001347620.2); short protein forms R126W, R37W.
Identifiers: ClinVar variation 1518439 (VCV001518439.6), dbSNP rs759613063, ClinGen allele CA677961.

ClinVar aggregate classification (germline): Uncertain significance (1 of 4 stars; one submission).

Allele frequency attached by ClinVar (database versions not stated): gnomAD 0.00001; gnomAD exomes 0.00001 and 0.00002; ExAC 0.00002; TOPMed 0.00002.
gnomAD v4.1: 30 of 1,613,994 alleles (0.0019%); highest among the groups gnomAD compares: African/African-American, 0.0027%; no homozygotes.

Submission:

Labcorp Genetics (formerly Invitae), Labcorp
Classification: Uncertain significance. Last evaluated: 2022-08-31. Review status: criteria provided, single submitter. Criteria: Invitae Variant Classification Sherloc (09022015). Collection method: clinical testing. Allele origin: germline.
Comment: ClinVar contains an entry for this variant (Variation ID: 1518439). In summary, the available evidence is currently insufficient to determine the role of this variant in disease. Therefore, it has been classified as a Variant of Uncertain Significance. Algorithms developed to predict the effect of missense changes on protein structure and function (SIFT, PolyPhen-2, Align-GVGD) all suggest that this variant is likely to be disruptive. This variant has not been reported in the literature in individuals affected with C1QC-related conditions. This variant is present in population databases (rs759613063, gnomAD 0.004%). This sequence change replaces arginine, which is basic and polar, with tryptophan, which is neutral and slightly polar, at codon 126 of the C1QC protein (p.Arg126Trp).